The following is an entry in ClinVar:

ClinVar aggregate classification (germline): Uncertain significance. Review status: criteria provided, multiple submitters, no conflicts (2 of 4 stars). 3 submissions from 3 submitters: Uncertain significance (3). Last evaluated 2022-10-06.

Conditions:
Retinitis pigmentosa 25 (RP25). Identifiers: Orphanet 791, MedGen C1864446, MONDO:0011272, OMIM 602772.

Allele frequency attached by ClinVar (database versions not stated): gnomAD 0.00001; ExAC 0.00005; 1000 Genomes Project 30x 0.00016; 1000 Genomes Project 0.00020.
gnomAD v4.1: 3 of 1,550,626 alleles (0.00019%); highest among the groups gnomAD compares: East Asian, 0.0073%; no homozygotes.

Submissions (3):

Blueprint Genetics
Classification: Uncertain significance. Last evaluated: 2022-10-06. Review status: criteria provided, single submitter. Criteria: ACMG Guidelines, 2015. Collection method: clinical testing. Allele origin: germline.

Labcorp Genetics (formerly Invitae), Labcorp
Classification: Uncertain significance. Last evaluated: 2022-05-12. Review status: criteria provided, single submitter. Criteria: Invitae Variant Classification Sherloc (09022015). Collection method: clinical testing. Allele origin: germline.
Comment: This sequence change replaces threonine, which is neutral and polar, with isoleucine, which is neutral and non-polar, at codon 2244 of the EYS protein (p.Thr2244Ile). This variant is present in population databases (rs557220287, gnomAD 0.01%). This variant has not been reported in the literature in individuals affected with EYS-related conditions. Algorithms developed to predict the effect of missense changes on protein structure and function are either unavailable or do not agree on the potential impact of this missense change (SIFT: "Tolerated"; PolyPhen-2: "Possibly Damaging"; Align-GVGD: "Class C0"). In summary, the available evidence is currently insufficient to determine the role of this variant in disease. Therefore, it has been classified as a Variant of Uncertain Significance.

Department of Pathology and Laboratory Medicine, Sinai Health System
Classification: Uncertain significance for Retinitis pigmentosa 25. Last evaluated: 2020-08-16. Review status: criteria provided, single submitter. Criteria: ACMG Guidelines, 2015. Collection method: research. Allele origin: germline.

NM_001142800.2(EYS):c.6731C>T (p.Thr2244Ile)

Gene: EYS (EGF-like photoreceptor maintenance factor; minus strand). Cytogenetic location: 6q12.
Variant type: single nucleotide variant.
Coding change: c.6731C>T on transcript NM_001142800.2 (MANE Select); coding-DNA position 6731, C replaced by T.
Protein change: p.Thr2244Ile; replaces threonine 2244 with isoleucine.
Molecular consequence: missense variant.
Genome position (GRCh38, 1-based): chr6:63,999,178, G>A on the plus strand (C>T on the coding strand, the complement: EYS is on the minus strand). VCF-style: chr6-63999178-G-A. GRCh37 (hg19) VCF-style: chr6-64709071-G-A.
Other names: c.6731C>T, p.Thr2244Ile (NM_001292009.2); short protein forms T2244I.
Identifiers: ClinVar variation 2157861 (VCV002157861.3), dbSNP rs557220287, ClinGen allele CA3876881.
Genomic context (GRCh38, chr6:63,999,178, plus strand): 5'-GGTTTTCCATCTGCAGTCATTTCAATCATACAAACAACTCCAGGGCTGCCAACAGGCGTT[G>A]TGTAGCTAAACGTAAAACAGAAGAGGCCATTATGATATGTGTTTTTGGCAAGAAAGGAGT-3'
Protein context (NP_001136272.1, residues 2234-2254): NAFTPITIRY[Thr2244Ile]TPVGSPGVVC